The following is an entry in ClinVar:

ClinVar aggregate classification (germline): Uncertain significance. Review status: criteria provided, multiple submitters, no conflicts (2 of 4 stars). 2 submissions from 2 submitters: Uncertain significance (2). Last evaluated 2025-04-13.

Conditions:
Inborn genetic diseases. Identifiers: MedGen C0950123, MeSH D030342.

Allele frequency attached by ClinVar (database versions not stated): gnomAD exomes 0.00003 and 0.00006; TOPMed 0.00003; gnomAD 0.00005.
gnomAD v4.1: 96 of 1,552,020 alleles (0.0062%); highest among the groups gnomAD compares: Non-Finnish European, 0.0081%; no homozygotes.

Submissions (2):

Ambry Genetics
Classification: Uncertain significance for Inborn genetic diseases. Last evaluated: 2025-04-13. Review status: criteria provided, single submitter. Criteria: Ambry Variant Classification Scheme 2023. Collection method: clinical testing. Allele origin: germline.

Labcorp Genetics (formerly Invitae), Labcorp
Classification: Uncertain significance. Last evaluated: 2023-06-29. Review status: criteria provided, single submitter. Criteria: Invitae Variant Classification Sherloc (09022015). Collection method: clinical testing. Allele origin: germline.
Comment: In summary, the available evidence is currently insufficient to determine the role of this variant in disease. Therefore, it has been classified as a Variant of Uncertain Significance. An algorithm developed to predict the effect of missense changes on protein structure and function (PolyPhen-2) suggests that this variant is likely to be disruptive. ClinVar contains an entry for this variant (Variation ID: 1410412). This variant has not been reported in the literature in individuals affected with UNC45B-related conditions. This variant is present in population databases (rs779897509, gnomAD 0.01%). This sequence change replaces arginine, which is basic and polar, with tryptophan, which is neutral and slightly polar, at codon 754 of the UNC45B protein (p.Arg754Trp).

NM_001267052.2(UNC45B):c.2254C>T (p.Arg752Trp)

Gene: UNC45B (unc-45 myosin chaperone B; plus strand). Cytogenetic location: 17q12.
Variant type: single nucleotide variant.
Coding change: c.2254C>T on transcript NM_001267052.2 (MANE Select); coding-DNA position 2254, C replaced by T.
Protein change: p.Arg752Trp; replaces arginine 752 with tryptophan.
Molecular consequence: missense variant.
Genome position (GRCh38, 1-based): chr17:35,177,609, C>T. VCF-style: chr17-35177609-C-T. GRCh37 (hg19) VCF-style: chr17-33504628-C-T.
Other names: c.2260C>T (NM_173167.2); c.2254C>T, p.Arg752Trp (NM_001033576.2); c.2017C>T, p.Arg673Trp (NM_001308281.1); c.2260C>T, p.Arg754Trp (NM_173167.3); short protein forms R754W, R752W, R673W.
Identifiers: ClinVar variation 1410412 (VCV001410412.8), dbSNP rs779897509, ClinGen allele CA8501443.
Genomic context (GRCh38, chr17:35,177,609, plus strand): 5'-CTTCAGAACTATGAGGCTCTCCTAGGCCTCACCAACCTGTCTGGGCGGAGTGACAAACTC[C>T]GGTGAGTGTGGTGAGTGTGGCAGGGGTGGAGAGAGGTGGCTCAAAAAGTGTTTGTTTGAA-3'
Protein context (NP_001253981.1, residues 742-762): TNLSGRSDKL[Arg752Trp]QKIFKERALP